The following is an entry in ClinVar:

NM_003242.6(TGFBR2):c.1219A>T (p.Thr407Ser)

Gene: TGFBR2 (transforming growth factor beta receptor 2; plus strand). Cytogenetic location: 3p24.1.
Variant type: single nucleotide variant.
Coding change: c.1219A>T on transcript NM_003242.6 (MANE Select); coding-DNA position 1219, A replaced by T.
Protein change: p.Thr407Ser; replaces threonine 407 with serine.
Molecular consequence: missense variant. On other transcripts: intron variant (1).
Genome position (GRCh38, 1-based): chr3:30,672,402, A>T. VCF-style: chr3-30672402-A-T. GRCh37 (hg19) VCF-style: chr3-30713894-A-T.
Other names: c.1294A>T, p.Thr432Ser (NM_001024847.3); c.1402A>T, p.Thr468Ser (NM_001407126.1); c.1327A>T, p.Thr443Ser (NM_001407127.1); c.1246A>T, p.Thr416Ser (NM_001407128.1); c.1222A>T, p.Thr408Ser (NM_001407129.1); c.1219A>T, p.Thr407Ser (NM_001407130.1); c.1114A>T, p.Thr372Ser (NM_001407132.1, NM_001407133.1, NM_001407134.1 and 2 more transcripts); c.934A>T, p.Thr312Ser (NM_001407137.1); and 2 more; short protein forms T287S, T312S, T372S, T408S, T407S, T416S, T443S, T432S.
Identifiers: ClinVar variation 2607666 (VCV002607666.4), dbSNP rs1559467311, ClinGen allele CA351808783.

ClinVar aggregate classification (germline): Uncertain significance. Review status: criteria provided, multiple submitters, no conflicts (2 of 4 stars). 2 submissions from 2 submitters: Uncertain significance (2). Last evaluated 2025-07-13.

Conditions:
Familial thoracic aortic aneurysm and aortic dissection (TAAD). Also called: Thoracic aortic aneurysms and dissections. Identifiers: Orphanet 91387, MedGen C4707243, MONDO:0019625.

Submissions (2):

Labcorp Genetics (formerly Invitae), Labcorp
Classification: Uncertain significance for Familial thoracic aortic aneurysm and aortic dissection. Last evaluated: 2025-07-13. Review status: criteria provided, single submitter. Criteria: Invitae Variant Classification Sherloc (09022015). Collection method: clinical testing. Allele origin: germline.
Comment: This sequence change replaces threonine, which is neutral and polar, with serine, which is neutral and polar, at codon 407 of the TGFBR2 protein (p.Thr407Ser). This variant is not present in population databases (gnomAD no frequency). This variant has not been reported in the literature in individuals affected with TGFBR2-related conditions. ClinVar contains an entry for this variant (Variation ID: 2607666). Invitae Evidence Modeling of protein sequence and biophysical properties (such as structural, functional, and spatial information, amino acid conservation, physicochemical variation, residue mobility, and thermodynamic stability) indicates that this missense variant is not expected to disrupt TGFBR2 protein function with a negative predictive value of 95%. In summary, the available evidence is currently insufficient to determine the role of this variant in disease. Therefore, it has been classified as a Variant of Uncertain Significance.

Ambry Genetics
Classification: Uncertain significance for Familial thoracic aortic aneurysm and aortic dissection. Last evaluated: 2023-06-29. Review status: criteria provided, single submitter. Criteria: Ambry Variant Classification Scheme 2023. Collection method: clinical testing. Allele origin: germline.